The following is an entry in ClinVar:

NM_001267550.2(TTN):c.97859C>T (p.Ala32620Val)

Genes: TTN (titin; minus strand), TTN-AS1 (TTN antisense RNA 1; plus strand). Cytogenetic location: 2q31.2.
Variant type: single nucleotide variant.
Coding change: c.97859C>T on transcript NM_001267550.2 (MANE Select); coding-DNA position 97859, C replaced by T.
Protein change: p.Ala32620Val; replaces alanine 32620 with valine.
Molecular consequence: missense variant.
Genome position (GRCh38, 1-based): chr2:178,540,307, G>A on the plus strand (C>T on the coding strand, the complement: TTN is on the minus strand). VCF-style: chr2-178540307-G-A. GRCh37 (hg19) VCF-style: chr2-179405034-G-A.
Other names: c.70664C>T, p.Ala23555Val (NM_003319.4); c.90155C>T, p.Ala30052Val (NM_133378.4); c.92936C>T, p.Ala30979Val (NM_001256850.1); c.71039C>T, p.Ala23680Val (NM_133432.3); c.71240C>T, p.Ala23747Val (NM_133437.4); short protein forms A32620V, A30052V, A23555V, A23747V, A23680V, A30979V.
Identifiers: ClinVar variation 47591 (VCV000047591.33), dbSNP rs397517772, ClinGen allele CA141453.

ClinVar aggregate classification (germline): Conflicting classifications of pathogenicity. Review status: criteria provided, conflicting classifications (1 of 4 stars). 14 submissions from 10 submitters: Uncertain significance (5); Benign (3); Likely benign (4). 2 of the submissions do not count toward it. Last evaluated 2026-02-03.

Conditions:
TTN-related disorder. Also called: TTN-related condition; TTN-related disease; TTN-related disorders.
Cardiovascular phenotype. Identifiers: MedGen CN230736.
Autosomal recessive limb-girdle muscular dystrophy type 2J (LGMDR10). Also called: Limb-girdle muscular dystrophy, type 2J; MUSCULAR DYSTROPHY, LIMB-GIRDLE, AUTOSOMAL RECESSIVE 10. Identifiers: Orphanet 140922, MedGen C1837342, MONDO:0012127, OMIM 608807.
Dilated cardiomyopathy 1G (CMD1G). Identifiers: Orphanet 154, MedGen C1858763, MONDO:0011400, OMIM 604145.
Cardiomyopathy (CMYO). Also called: Cardiomyopathies. Identifiers: Orphanet 167848, MedGen C0878544, MONDO:0004994, HP:0001638. Inheritance: Various modes of inheritance.
Early-onset myopathy with fatal cardiomyopathy (CMYO5). Also called: Salih Myopathy; CONGENITAL MYOPATHY 5 WITH CARDIOMYOPATHY. Identifiers: Orphanet 289377, MedGen C2673677, MONDO:0012714, OMIM 611705. Disease mechanism: loss of function.
Myopathy, myofibrillar, 9, with early respiratory failure (MFM9). Also called: Hereditary myopathy with early respiratory failure; EDSTROM MYOPATHY; MYOPATHY, PROXIMAL, WITH EARLY RESPIRATORY MUSCLE INVOLVEMENT; Myopathy, distal, with early respiratory failure, autosomal dominant. Identifiers: Orphanet 178464, Orphanet 34521, MedGen C1863599, MONDO:0011362, OMIM 603689.
Tibial muscular dystrophy (TMD). Also called: Tibial muscular dystrophy, tardive; UDD MYOPATHY; Udd Distal Myopathy – Tibial Muscular Dystrophy. Identifiers: Orphanet 609, MedGen C1838244, MONDO:0010870, OMIM 600334.

Allele frequency attached by ClinVar (database versions not stated): gnomAD exomes 0.00013 and 0.00025; TOPMed 0.00013; gnomAD 0.00015; ExAC 0.00016.
gnomAD v4.1: 229 of 1,613,584 alleles (0.014%); highest among the groups gnomAD compares: Non-Finnish European, 0.0053%; no homozygotes.

Submissions (14):

Labcorp Genetics (formerly Invitae), Labcorp
Classification: Benign for Dilated cardiomyopathy 1G; Autosomal recessive limb-girdle muscular dystrophy type 2J. Last evaluated: 2026-02-03. Review status: criteria provided, single submitter. Criteria: Invitae Variant Classification Sherloc (09022015). Collection method: clinical testing. Allele origin: germline.

PreventionGenetics, part of Exact Sciences
Classification: Likely benign for TTN-related condition. Last evaluated: 2025-11-25. Review status: criteria provided, single submitter. Criteria: ACMG Guidelines, 2015. Collection method: clinical testing. Allele origin: germline.
Comment: This variant is classified as likely benign based on ACMG/AMP sequence variant interpretation guidelines (Richards et al. 2015 PMID: 25741868, with internal and published modifications).

Women's Health and Genetics/Laboratory Corporation of America, LabCorp
Classification: Likely benign. Last evaluated: 2025-11-12. Review status: criteria provided, single submitter. Criteria: LabCorp Variant Classification Summary - May 2015. Collection method: clinical testing. Allele origin: germline.
Comment: Variant summary: TTN c.90155C>T (p.Ala30052Val) results in a non-conservative amino acid change in the encoded protein sequence. Algorithms developed to predict the effect of missense changes on protein structure and function are either unavailable or do not agree on the potential impact of this missense change. The variant allele was found at a frequency of 0.00025 in 248842 control chromosomes, predominantly at a frequency of 0.005 within the Ashkenazi Jewish subpopulation in the gnomAD database. The observed variant frequency within Ashkenazi Jewish control individuals in the gnomAD database exceeds the estimated maximal expected allele frequency for disease-causing variants in TTN. To our knowledge, no occurrence of c.90155C>T in individuals affected with TTN-related conditions and no experimental evidence demonstrating its impact on protein function have been reported. ClinVar contains an entry for this variant (Variation ID: 47591). Based on the evidence outlined above, the variant was classified as likely benign.

CHEO Genetics Diagnostic Laboratory, Children's Hospital of Eastern Ontario
Classification: Uncertain significance for Cardiomyopathy. Last evaluated: 2021-12-16. Review status: criteria provided, single submitter. Criteria: ACMG Guidelines, 2015. Collection method: clinical testing. Allele origin: germline.

GeneDx
Classification: Likely benign. Last evaluated: 2020-11-04. Review status: criteria provided, single submitter. Criteria: GeneDx Variant Classification Process June 2021. Collection method: clinical testing. Allele origin: germline. Affected: yes.

Ambry Genetics
Classification: Likely benign for Cardiovascular phenotype. Last evaluated: 2019-02-25. Review status: criteria provided, single submitter. Criteria: Ambry Variant Classification Scheme 2023. Collection method: clinical testing. Allele origin: germline.

Illumina Laboratory Services, Illumina
Classification: Uncertain significance for Early-onset myopathy with fatal cardiomyopathy. Last evaluated: 2018-01-13. Review status: criteria provided, single submitter. Criteria: ICSL Variant Classification Criteria 13 December 2019. Collection method: clinical testing. Allele origin: germline.

Illumina Laboratory Services, Illumina
Classification: Benign for Tibial muscular dystrophy. Last evaluated: 2018-01-13. Review status: criteria provided, single submitter. Criteria: ICSL Variant Classification Criteria 13 December 2019. Collection method: clinical testing. Allele origin: germline.
Comment: This variant was observed in the ICSL laboratory as part of a predisposition screen in an ostensibly healthy population. It had not been previously curated by ICSL or reported in the Human Gene Mutation Database (HGMD: prior to June 1st, 2018), and was therefore a candidate for classification through an automated scoring system. Utilizing variant allele frequency, disease prevalence and penetrance estimates, and inheritance mode, an automated score was calculated to assess if this variant is too frequent to cause the disease. Based on the score and internal cut-off values, a variant classified as benign is not then subjected to further curation. The score for this variant resulted in a classification of benign for this disease.

Illumina Laboratory Services, Illumina
Classification: Uncertain significance for Dilated cardiomyopathy 1G. Last evaluated: 2018-01-13. Review status: criteria provided, single submitter. Criteria: ICSL Variant Classification Criteria 13 December 2019. Collection method: clinical testing. Allele origin: germline.

Illumina Laboratory Services, Illumina
Classification: Benign for Myopathy, myofibrillar, 9, with early respiratory failure. Last evaluated: 2018-01-13. Review status: criteria provided, single submitter. Criteria: ICSL Variant Classification Criteria 13 December 2019. Collection method: clinical testing. Allele origin: germline.
Comment: the same text as in the submission from Illumina Laboratory Services, Illumina above.

Illumina Laboratory Services, Illumina
Classification: Uncertain significance for Autosomal recessive limb-girdle muscular dystrophy type 2J. Last evaluated: 2018-01-13. Review status: criteria provided, single submitter. Criteria: ICSL Variant Classification Criteria 13 December 2019. Collection method: clinical testing. Allele origin: germline.

Laboratory for Molecular Medicine, Mass General Brigham Personalized Medicine
Classification: Uncertain significance. Last evaluated: 2011-12-21. Review status: criteria provided, single submitter. Criteria: LMM Criteria. Collection method: clinical testing. Allele origin: germline. Observed: 1 variant allele.
Comment: The Ala30052Val variant (TTN) has not been previously reported nor previously id entified by our laboratory. Alanine (Ala) at position 30052 is highly conserved across evolutionarily distant species, increasing the likelihood that a change w ould not be tolerated. Computational predictions on the impact to the protein ar e mixed (AlignGVGD = benign, SIFT = pathogenic), though the accuracy of these to ols is unknown. Additional information is needed to fully assess the clinical si gnificance of the Ala30052Val variant.

Clinical Genetics, Academic Medical Center
Classification: Benign. Review status: no assertion criteria provided. Collection method: clinical testing. Allele origin: germline. Affected: yes. Study: VKGL Data-share Consensus. Not counted in ClinVar's aggregate classification.

Joint Genome Diagnostic Labs from Nijmegen and Maastricht, Radboudumc and MUMC+
Classification: Likely benign. Review status: no assertion criteria provided. Collection method: clinical testing. Allele origin: germline. Affected: yes. Study: VKGL Data-share Consensus. Not counted in ClinVar's aggregate classification.